The following is an entry in ClinVar:

ClinVar aggregate classification (germline): Uncertain significance (1 of 4 stars; one submission).

Conditions:
CHARGE syndrome (CHARGE). Also called: Hittner Hirsch Kreh syndrome; CHARGE ASSOCIATION--COLOBOMA, HEART ANOMALY, CHOANAL ATRESIA, RETARDATION, GENITAL AND EAR ANOMALIES; Coloboma, heart anomaly, choanal atresia, retardation, genital and ear anomalies; CHARGE association; Hall-Hittner syndrome. Identifiers: Orphanet 138, MedGen C0265354, MONDO:0008965.

Submission:

Labcorp Genetics (formerly Invitae), Labcorp
Classification: Uncertain significance for CHARGE syndrome. Last evaluated: 2024-12-23. Review status: criteria provided, single submitter. Criteria: Invitae Variant Classification Sherloc (09022015). Collection method: clinical testing. Allele origin: germline.
Comment: This sequence change replaces lysine, which is basic and polar, with glutamic acid, which is acidic and polar, at codon 1827 of the CHD7 protein (p.Lys1827Glu). This variant is not present in population databases (gnomAD no frequency). This variant has not been reported in the literature in individuals affected with CHD7-related conditions. Invitae Evidence Modeling of protein sequence and biophysical properties (such as structural, functional, and spatial information, amino acid conservation, physicochemical variation, residue mobility, and thermodynamic stability) indicates that this missense variant is not expected to disrupt CHD7 protein function with a negative predictive value of 95%. In summary, the available evidence is currently insufficient to determine the role of this variant in disease. Therefore, it has been classified as a Variant of Uncertain Significance.

NM_017780.4(CHD7):c.5479A>G (p.Lys1827Glu)

Gene: CHD7 (chromodomain helicase DNA binding protein 7; plus strand). Cytogenetic location: 8q12.2.
Variant type: single nucleotide variant.
Coding change: c.5479A>G on transcript NM_017780.4 (MANE Select); coding-DNA position 5479, A replaced by G.
Protein change: p.Lys1827Glu; replaces lysine 1827 with glutamic acid.
Molecular consequence: missense variant. On other transcripts: intron variant (1).
Genome position (GRCh38, 1-based): chr8:60,850,567, A>G. VCF-style: chr8-60850567-A-G. GRCh37 (hg19) VCF-style: chr8-61763126-A-G.
Other names: c.1717-11662A>G (NM_001316690.1); short protein forms K1827E.
Identifiers: ClinVar variation 3672183 (VCV003672183.2).